The following is an entry in ClinVar:

ClinVar aggregate classification (germline): Uncertain significance (1 of 4 stars; one submission).

gnomAD v4.1: 6 of 1,550,112 alleles (0.00039%); highest among the groups gnomAD compares: Non-Finnish European, 0.00044%; no homozygotes.

Submission:

Labcorp Genetics (formerly Invitae), Labcorp
Classification: Uncertain significance. Last evaluated: 2024-07-16. Review status: criteria provided, single submitter. Criteria: Invitae Variant Classification Sherloc (09022015). Collection method: clinical testing. Allele origin: germline.
Comment: This sequence change replaces glycine, which is neutral and non-polar, with valine, which is neutral and non-polar, at codon 1279 of the ZNF469 protein (p.Gly1279Val). This variant is not present in population databases (gnomAD no frequency). This variant has not been reported in the literature in individuals affected with ZNF469-related conditions. An algorithm developed to predict the effect of missense changes on protein structure and function (PolyPhen-2) suggests that this variant is likely to be tolerated. In summary, the available evidence is currently insufficient to determine the role of this variant in disease. Therefore, it has been classified as a Variant of Uncertain Significance.

NM_001367624.2(ZNF469):c.3920G>T (p.Gly1307Val)

Gene: ZNF469 (zinc finger protein 469; plus strand). Cytogenetic location: 16q24.2.
Variant type: single nucleotide variant.
Coding change: c.3920G>T on transcript NM_001367624.2 (MANE Select); coding-DNA position 3920, G replaced by T.
Protein change: p.Gly1307Val; replaces glycine 1307 with valine.
Molecular consequence: missense variant.
Genome position (GRCh38, 1-based): chr16:88,431,390, G>T. VCF-style: chr16-88431390-G-T. GRCh37 (hg19) VCF-style: chr16-88497798-G-T.
Other names: short protein forms G1307V.
Identifiers: ClinVar variation 3606653 (VCV003606653.2).